The following is an entry in ClinVar:

ClinVar aggregate classification (germline): Uncertain significance. Review status: criteria provided, multiple submitters, no conflicts (2 of 4 stars). 5 submissions from 5 submitters: Uncertain significance (5). Last evaluated 2023-10-17.

Conditions:
Inborn genetic diseases. Identifiers: MedGen C0950123, MeSH D030342.
Adenylosuccinate lyase deficiency (ADSLD). Also called: ADSL DEFICIENCY. Identifiers: Orphanet 46, MedGen C0268126, MONDO:0007068, OMIM 103050.

Allele frequency attached by ClinVar (database versions not stated): gnomAD 0.00001; TOPMed 0.00002.

Submissions (5):

Ambry Genetics
Classification: Uncertain significance for Inborn genetic diseases. Last evaluated: 2023-10-17. Review status: criteria provided, single submitter. Criteria: Ambry Variant Classification Scheme 2023. Collection method: clinical testing. Allele origin: germline.

Baylor Genetics
Classification: Uncertain significance for Adenylosuccinate lyase deficiency. Last evaluated: 2023-03-31. Review status: criteria provided, single submitter. Criteria: ACMG Guidelines, 2015. Collection method: clinical testing. Allele origin: unknown.

Labcorp Genetics (formerly Invitae), Labcorp
Classification: Uncertain significance for Adenylosuccinate lyase deficiency. Last evaluated: 2022-11-02. Review status: criteria provided, single submitter. Criteria: Invitae Variant Classification Sherloc (09022015). Collection method: clinical testing. Allele origin: germline.
Comment: This sequence change replaces arginine, which is basic and polar, with glutamine, which is neutral and polar, at codon 196 of the ADSL protein (p.Arg196Gln). This variant is present in population databases (rs753245184, gnomAD 0.007%). This variant has not been reported in the literature in individuals affected with ADSL-related conditions. ClinVar contains an entry for this variant (Variation ID: 387486). Advanced modeling of protein sequence and biophysical properties (such as structural, functional, and spatial information, amino acid conservation, physicochemical variation, residue mobility, and thermodynamic stability) performed at Invitae indicates that this missense variant is expected to disrupt ADSL protein function. In summary, the available evidence is currently insufficient to determine the role of this variant in disease. Therefore, it has been classified as a Variant of Uncertain Significance.

Mayo Clinic Laboratories, Mayo Clinic
Classification: Uncertain significance. Last evaluated: 2019-10-20. Review status: criteria provided, single submitter. Criteria: ACMG Guidelines, 2015. Collection method: clinical testing. Allele origin: germline. Observed: 1 variant allele.

GeneDx
Classification: Uncertain significance. Last evaluated: 2016-07-12. Review status: criteria provided, single submitter. Criteria: GeneDx Variant Classification (06012015). Collection method: clinical testing. Allele origin: germline. Affected: yes.
Comment: A variant of uncertain significance has been identified in the ADSL gene. The R196Q variant has not been published as a pathogenic variant, nor has it been reported as a benign variant to our knowledge. It was not observed in approximately 6,500 individuals of European and African American ancestry in the NHLBI Exome Sequencing Project, indicating it is not a common benign variant in these populations. The R196Q variant is a semi-conservative amino acid substitution, which may impact secondary protein structure as these residues differ in some properties. This substitution occurs at a position that is conserved across species and in silico analysis predicts this variant is probably damaging to the protein structure/function. Missense variants in nearby residues (R190Q, R194C) have been reported in the Human Gene Mutation Database in association with ADSL-related disorder (Stenson et al., 2014). However, based on the currently available information, it is unclear whether this variant is a pathogenic variant or a rare benign variant.

NM_000026.4(ADSL):c.587G>A (p.Arg196Gln)

Gene: ADSL (adenylosuccinate lyase; plus strand). Cytogenetic location: 22q13.1.
Variant type: single nucleotide variant.
Coding change: c.587G>A on transcript NM_000026.4 (MANE Select); coding-DNA position 587, G replaced by A.
Protein change: p.Arg196Gln; replaces arginine 196 with glutamine.
Molecular consequence: missense variant. On other transcripts: non-coding transcript variant (1).
Genome position (GRCh38, 1-based): chr22:40,358,968, G>A. VCF-style: chr22-40358968-G-A. GRCh37 (hg19) VCF-style: chr22-40754972-G-A.
Other names: c.587G>A, p.Arg196Gln (NM_001363840.3, NM_001123378.3); c.395G>A, p.Arg132Gln (NM_001317923.2); short protein forms R196Q, R132Q.
Identifiers: ClinVar variation 387486 (VCV000387486.16), dbSNP rs753245184, ClinGen allele CA10247762.